The following is an entry in ClinVar:

ClinVar aggregate classification (germline): Uncertain significance. Review status: criteria provided, multiple submitters, no conflicts (2 of 4 stars). 2 submissions from 2 submitters: Uncertain significance (2). Last evaluated 2025-11-13.

Conditions:
Inborn genetic diseases. Identifiers: MedGen C0950123, MeSH D030342.
Early Myoclonic Encephalopathy. Identifiers: MedGen C0270855.

Allele frequency attached by ClinVar (database versions not stated): TOPMed 0.00001.
gnomAD v4.1: 1 of 1,613,818 alleles (0.000062%); highest among the groups gnomAD compares: African/African-American, 0.0013%; no homozygotes.

Submissions (2):

Ambry Genetics
Classification: Uncertain significance for Inborn genetic diseases. Last evaluated: 2025-11-13. Review status: criteria provided, single submitter. Criteria: Ambry Variant Classification Scheme 2023. Collection method: clinical testing. Allele origin: germline.

Labcorp Genetics (formerly Invitae), Labcorp
Classification: Uncertain significance for Early Myoclonic Encephalopathy. Last evaluated: 2025-06-18. Review status: criteria provided, single submitter. Criteria: Invitae Variant Classification Sherloc (09022015). Collection method: clinical testing. Allele origin: germline.
Comment: This sequence change replaces aspartic acid, which is acidic and polar, with glutamic acid, which is acidic and polar, at codon 150 of the KCND2 protein (p.Asp150Glu). This variant is present in population databases (no rsID available, gnomAD 0.007%). This variant has not been reported in the literature in individuals affected with KCND2-related conditions. ClinVar contains an entry for this variant (Variation ID: 2906550). Invitae Evidence Modeling of protein sequence and biophysical properties (such as structural, functional, and spatial information, amino acid conservation, physicochemical variation, residue mobility, and thermodynamic stability) indicates that this missense variant is not expected to disrupt KCND2 protein function with a negative predictive value of 95%. In summary, the available evidence is currently insufficient to determine the role of this variant in disease. Therefore, it has been classified as a Variant of Uncertain Significance.

NM_012281.3(KCND2):c.450C>A (p.Asp150Glu)

Gene: KCND2 (potassium voltage-gated channel subfamily D member 2; plus strand). Cytogenetic location: 7q31.31.
Variant type: single nucleotide variant.
Coding change: c.450C>A on transcript NM_012281.3 (MANE Select); coding-DNA position 450, C replaced by A.
Protein change: p.Asp150Glu; replaces aspartic acid 150 with glutamic acid.
Molecular consequence: missense variant.
Genome position (GRCh38, 1-based): chr7:120,275,082, C>A. VCF-style: chr7-120275082-C-A. GRCh37 (hg19) VCF-style: chr7-119915136-C-A.
Other names: c.450C>A (NM_012281.2); short protein forms D150E.
Identifiers: ClinVar variation 2906550 (VCV002906550.4), dbSNP rs991724336, ClinGen allele CA165779049.